The following is an entry in ClinVar:

ClinVar aggregate classification (germline): Pathogenic (1 of 4 stars; one submission).

Conditions:
Primary ciliary dyskinesia 3. Identifiers: Orphanet 244, MedGen C1837618, MONDO:0012085, OMIM 608644.

Submission:

Myriad Genetics, Inc.
Classification: Pathogenic for Primary ciliary dyskinesia 3. Last evaluated: 2026-06-05. Review status: criteria provided, single submitter. Criteria: Myriad Autosomal Dominant, Autosomal Recessive and X-Linked Classification Criteria (2023). Collection method: clinical testing. Allele origin: unknown.
Comment: NM_001369.2(DNAH5):c.12306C>A(C4102*) is expected to be pathogenic in the context of primary ciliary dyskinesia, DNAH5-related. This variant is predicted to lead to an abnormal or absent protein product due to the creation of a premature termination codon in DNAH5, a gene where loss-of-function variants are known to be pathogenic. Please note: this variant was assessed in the context of healthy population screening.

NM_001369.3(DNAH5):c.12306C>A (p.Cys4102Ter)

Gene: DNAH5 (dynein axonemal heavy chain 5; minus strand). Cytogenetic location: 5p15.2.
Variant type: single nucleotide variant.
Coding change: c.12306C>A on transcript NM_001369.3 (MANE Select); coding-DNA position 12306, C replaced by A.
Protein change: p.Cys4102Ter; replaces cysteine 4102 with a stop codon.
Molecular consequence: nonsense.
Genome position (GRCh38, 1-based): chr5:13,719,075, G>T on the plus strand (C>A on the coding strand, the complement: DNAH5 is on the minus strand). VCF-style: chr5-13719075-G-T. GRCh37 (hg19) VCF-style: chr5-13719184-G-T.
Other names: short protein forms C4102*.
Identifiers: ClinVar variation 5015993 (VCV005015993.1).